The following is an entry in ClinVar:

NM_001220.5(CAMK2B):c.1600C>T (p.Arg534Trp)

Gene: CAMK2B (calcium/calmodulin dependent protein kinase II beta; minus strand). Cytogenetic location: 7p13.
Variant type: single nucleotide variant.
Coding change: c.1600C>T on transcript NM_001220.5 (MANE Select); coding-DNA position 1600, C replaced by T.
Protein change: p.Arg534Trp; replaces arginine 534 with tryptophan.
Molecular consequence: missense variant.
Genome position (GRCh38, 1-based): chr7:44,220,899, G>A on the plus strand (C>T on the coding strand, the complement: CAMK2B is on the minus strand). VCF-style: chr7-44220899-G-A. GRCh37 (hg19) VCF-style: chr7-44260498-G-A.
Other names: c.1600C>T (NM_001220.4); c.949C>T, p.Arg317Trp (NM_172084.3); c.1228C>T, p.Arg410Trp (NM_001293170.2, NM_172078.3); c.1156C>T, p.Arg386Trp (NM_172079.3, NM_172082.3); c.1153C>T, p.Arg385Trp (NM_172080.3); c.1111C>T, p.Arg371Trp (NM_172081.3); c.1039C>T, p.Arg347Trp (NM_172083.3); short protein forms R385W, R347W, R371W, R534W, R317W, R386W, R410W.
Identifiers: ClinVar variation 2808529 (VCV002808529.4), dbSNP rs1393489232, ClinGen allele CA367370137.

ClinVar aggregate classification (germline): Uncertain significance. Review status: criteria provided, multiple submitters, no conflicts (2 of 4 stars). 2 submissions from 2 submitters: Uncertain significance (2). Last evaluated 2024-09-27.

Conditions:
Inborn genetic diseases. Identifiers: MedGen C0950123, MeSH D030342.

Allele frequency attached by ClinVar (database versions not stated): gnomAD exomes below 0.00001; gnomAD 0.00001; TOPMed 0.00001.
gnomAD v4.1: 7 of 1,563,236 alleles (0.00045%); highest among the groups gnomAD compares: East Asian, 0.0024%; no homozygotes.

Submissions (2):

Ambry Genetics
Classification: Uncertain significance for Inborn genetic diseases. Last evaluated: 2024-09-27. Review status: criteria provided, single submitter. Criteria: Ambry Variant Classification Scheme 2023. Collection method: clinical testing. Allele origin: germline.

Labcorp Genetics (formerly Invitae), Labcorp
Classification: Uncertain significance. Last evaluated: 2022-11-04. Review status: criteria provided, single submitter. Criteria: Invitae Variant Classification Sherloc (09022015). Collection method: clinical testing. Allele origin: germline.
Comment: This sequence change replaces arginine, which is basic and polar, with tryptophan, which is neutral and slightly polar, at codon 534 of the CAMK2B protein (p.Arg534Trp). This variant is not present in population databases (gnomAD no frequency). This variant has not been reported in the literature in individuals affected with CAMK2B-related conditions. Algorithms developed to predict the effect of missense changes on protein structure and function (SIFT, PolyPhen-2, Align-GVGD) all suggest that this variant is likely to be disruptive. In summary, the available evidence is currently insufficient to determine the role of this variant in disease. Therefore, it has been classified as a Variant of Uncertain Significance.